The following is an entry in ClinVar:

ClinVar aggregate classification (germline): Pathogenic/Likely pathogenic. Review status: criteria provided, multiple submitters, no conflicts (2 of 4 stars). 2 submissions from 2 submitters: Pathogenic (1); Likely pathogenic (1). Last evaluated 2021-08-02.

Conditions:
Fabry disease. Also called: Fabry's disease; ALPHA-GALACTOSIDASE A DEFICIENCY; ANDERSON-FABRY DISEASE; CERAMIDE TRIHEXOSIDASE DEFICIENCY; Ceramide trihexosidosis; Angiokeratoma corporis diffusum. Identifiers: Orphanet 324, MedGen C0002986, MONDO:0010526, OMIM 301500, HP:0001071. Disease mechanism: Fabry disease is due to inactivating mutations in the X-linked GLA gene resulting in deficiency of the enzyme Alpha Galactosidase-A., loss of function.

Submissions (2):

Labcorp Genetics (formerly Invitae), Labcorp
Classification: Pathogenic for Fabry disease. Last evaluated: 2021-08-02. Review status: criteria provided, single submitter. Criteria: Invitae Variant Classification Sherloc (09022015). Collection method: clinical testing. Allele origin: germline.
Comment: Algorithms developed to predict the effect of sequence changes on RNA splicing suggest that this variant may create or strengthen a splice site. For these reasons, this variant has been classified as Pathogenic. ClinVar contains an entry for this variant (Variation ID: 633246). This variant has not been reported in the literature in individuals affected with GLA-related conditions. This variant is not present in population databases (ExAC no frequency). This sequence change creates a premature translational stop signal (p.Ala288Valfs*29) in the GLA gene. It is expected to result in an absent or disrupted protein product. Loss-of-function variants in GLA are known to be pathogenic (PMID: 10666480, 12175777).

Women's Health and Genetics/Laboratory Corporation of America, LabCorp
Classification: Likely pathogenic for Fabry disease. Last evaluated: 2021-07-13. Review status: criteria provided, single submitter. Criteria: LabCorp Variant Classification Summary - May 2015. Collection method: clinical testing. Allele origin: germline.
Comment: Variant summary: GLA c.863delC (p.Ala288ValfsX29) results in a premature termination codon, predicted to cause a truncation of the encoded protein or absence of the protein due to nonsense mediated decay, which are commonly known mechanisms for disease. Truncations downstream of this position have been classified as pathogenic by our laboratory. The variant was absent in 183467 control chromosomes. To our knowledge, no occurrence of c.863delC in individuals affected with Fabry Disease and no experimental evidence demonstrating its impact on protein function have been reported. No clinical diagnostic laboratories have submitted clinical-significance assessments for this variant to ClinVar after 2014. Based on the evidence outlined above, the variant was classified as likely pathogenic.

Literature cited by the submitters: PubMed 10666480 (cited by Labcorp Genetics (formerly Invitae), Labcorp); PubMed 12175777 (cited by Labcorp Genetics (formerly Invitae), Labcorp).

NM_000169.3(GLA):c.863del (p.Ala288fs)

Genes: GLA (galactosidase alpha; minus strand), RPL36A-HNRNPH2 (RPL36A-HNRNPH2 readthrough; plus strand). Cytogenetic location: Xq22.1.
Variant type: Deletion.
Coding change: c.863del on transcript NM_000169.3 (MANE Select); coding-DNA position 863, one base deleted (C; older notation c.863delC).
Protein change: p.Ala288fs; shifts the reading frame from alanine 288.
Molecular consequence: frameshift variant. On other transcripts: non-coding transcript variant (3), intron variant (2).
Genome position (GRCh38, 1-based): chrX:101,398,506, G deleted on the plus strand (C on the coding strand, the reverse complement: GLA is on the minus strand). VCF-style (leftmost placement, unchanged base first): chrX-101398505-AG-A. GRCh37 (hg19) VCF-style: chrX-100653493-AG-A.
Other names: c.986del, p.Ala329fs (NM_001406747.1); c.863del, p.Ala288fs (NM_001406748.1); c.300+3049del (NM_001199973.2); c.177+6684del (NM_001199974.2); short protein forms A288fs, A329fs.
Identifiers: ClinVar variation 633246 (VCV000633246.8), dbSNP rs1569303030, ClinGen allele CA913190978.